The following is an entry in ClinVar:

ClinVar aggregate classification (germline): Uncertain significance. Review status: criteria provided, multiple submitters, no conflicts (2 of 4 stars). 2 submissions from 2 submitters: Uncertain significance (2). Last evaluated 2024-02-07.

Submissions (2):

Labcorp Genetics (formerly Invitae), Labcorp
Classification: Uncertain significance. Last evaluated: 2024-02-07. Review status: criteria provided, single submitter. Criteria: Invitae Variant Classification Sherloc (09022015). Collection method: clinical testing. Allele origin: germline.
Comment: This variant, c.4666_4677del, results in the deletion of 4 amino acid(s) of the BRWD3 protein (p.Asp1556_Leu1559del), but otherwise preserves the integrity of the reading frame. This variant is present in population databases (no rsID available, gnomAD 0.004%). This variant has not been reported in the literature in individuals affected with BRWD3-related conditions. ClinVar contains an entry for this variant (Variation ID: 2574203). Experimental studies and prediction algorithms are not available or were not evaluated, and the functional significance of this variant is currently unknown. In summary, the available evidence is currently insufficient to determine the role of this variant in disease. Therefore, it has been classified as a Variant of Uncertain Significance.

GeneDx
Classification: Uncertain significance. Last evaluated: 2023-01-31. Review status: criteria provided, single submitter. Criteria: GeneDx Variant Classification Process June 2021. Collection method: clinical testing. Allele origin: germline. Affected: yes.
Comment: In-frame deletion of four amino acids in a non-repeat region; In silico analysis supports a deleterious effect on protein structure/function; Has not been previously published as pathogenic or benign to our knowledge

NM_153252.5(BRWD3):c.4666_4677del (p.Asp1556_Leu1559del)

Gene: BRWD3 (bromodomain and WD repeat domain containing 3; minus strand). Cytogenetic location: Xq21.1.
Variant type: Deletion.
Coding change: c.4666_4677del on transcript NM_153252.5 (MANE Select); coding-DNA positions 4666 to 4677, 12 bases deleted (GATGGACCCCTT).
Protein change: p.Asp1556_Leu1559del.
Molecular consequence: inframe deletion.
Genome position (GRCh38, 1-based): chrX:80,677,341-80,677,352, AAGGGGTCCATC deleted on the plus strand (GATGGACCCCTT on the coding strand, the reverse complement: BRWD3 is on the minus strand); deleting any 12 consecutive bases within chrX:80,677,341-80,677,357 gives the same sequence; the c. name uses the placement nearest the transcript's 3' end. VCF-style (leftmost placement, unchanged base first): chrX-80677340-TAAGGGGTCCATC-T. GRCh37 (hg19) VCF-style: chrX-79932839-TAAGGGGTCCATC-T.
Identifiers: ClinVar variation 2574203 (VCV002574203.3), dbSNP rs1482363445, ClinGen allele CA642475497.